The following is an entry in ClinVar:

NM_006767.4(LZTR1):c.314G>A (p.Trp105Ter)

Gene: LZTR1 (leucine zipper like post translational regulator 1; plus strand). Cytogenetic location: 22q11.21.
Variant type: single nucleotide variant.
Coding change: c.314G>A on transcript NM_006767.4 (MANE Select); coding-DNA position 314, G replaced by A.
Protein change: p.Trp105Ter; replaces tryptophan 105 with a stop codon.
Molecular consequence: nonsense.
Genome position (GRCh38, 1-based): chr22:20,985,891, G>A. VCF-style: chr22-20985891-G-A. GRCh37 (hg19) VCF-style: chr22-21340180-G-A.
Other names: short protein forms W105*.
Identifiers: ClinVar variation 1728171 (VCV001728171.6), dbSNP rs1257932527, ClinGen allele CA410778896.

ClinVar aggregate classification (germline): Pathogenic. Review status: criteria provided, multiple submitters, no conflicts (2 of 4 stars). 2 submissions from 2 submitters: Pathogenic (2). Last evaluated 2023-12-12.

Conditions:
Cardiovascular phenotype. Identifiers: MedGen CN230736.
Hereditary cancer-predisposing syndrome. Also called: Tumor predisposition; Neoplastic Syndromes, Hereditary; Hereditary Cancer Syndrome; Hereditary neoplastic syndrome. Identifiers: Orphanet 140162, MedGen C0027672, MeSH D009386, MONDO:0015356.

Allele frequency attached by ClinVar (database versions not stated): TOPMed below 0.00001.
gnomAD v4.1: 1 of 1,614,124 alleles (0.000062%); highest among the groups gnomAD compares: Non-Finnish European, 0.000085%; no homozygotes.

Submissions (2):

Labcorp Genetics (formerly Invitae), Labcorp
Classification: Pathogenic. Last evaluated: 2023-12-12. Review status: criteria provided, single submitter. Criteria: Invitae Variant Classification Sherloc (09022015). Collection method: clinical testing. Allele origin: germline.
Comment: This sequence change creates a premature translational stop signal (p.Trp105*) in the LZTR1 gene. It is expected to result in an absent or disrupted protein product. Loss-of-function variants in LZTR1 are known to be pathogenic (PMID: 24362817, 25335493, 25480913, 25795793, 29469822, 30368668, 30442762, 30442766, 30481304, 30859559). This variant is present in population databases (no rsID available, gnomAD 0.0009%). This variant has not been reported in the literature in individuals affected with LZTR1-related conditions. ClinVar contains an entry for this variant (Variation ID: 1728171). For these reasons, this variant has been classified as Pathogenic.

Ambry Genetics
Classification: Pathogenic for Cardiovascular phenotype; Hereditary cancer-predisposing syndrome. Last evaluated: 2021-05-06. Review status: criteria provided, single submitter. Criteria: Ambry Variant Classification Scheme 2023. Collection method: clinical testing. Allele origin: germline.
Comment: The p.W105* variant (also known as c.314G>A), located in coding exon 3 of the LZTR1 gene, results from a G to A substitution at nucleotide position 314. This changes the amino acid from a tryptophan to a stop codon within coding exon 3. Loss-of-function variants in LZTR1 are related to an increased risk for schwannomas and autosomal recessive Noonan syndrome; however, such associations with autosomal dominant Noonan syndrome have not been observed (Piotrowski A et al. Nat Genet. 2014 Feb;46:182-7; Yamamoto GL et al. J Med Genet. 2015 Jun;52:413-21; Johnston JJ et al. Genet Med. 2018 10;20:1175-1185). This alteration is expected to result in loss of function by premature protein truncation or nonsense-mediated mRNA decay. Based on the supporting evidence, this variant is pathogenic for an increased risk of LZTR1-related schwannomatosis (SWN) and would be expected to cause autosomal recessive Noonan syndrome when present along with a second pathogenic or likely pathogenic variant on the other allele; however, the association of this alteration with autosomal dominant Noonan syndrome is unlikely.

Literature cited by the submitters: PubMed 24362817 (cited by Labcorp Genetics (formerly Invitae), Labcorp); PubMed 25335493 (cited by Labcorp Genetics (formerly Invitae), Labcorp); PubMed 25480913 (cited by Labcorp Genetics (formerly Invitae), Labcorp); PubMed 25795793 (cited by Labcorp Genetics (formerly Invitae), Labcorp); PubMed 29469822 (cited by Labcorp Genetics (formerly Invitae), Labcorp); PubMed 30368668 (cited by Labcorp Genetics (formerly Invitae), Labcorp); PubMed 30442762 (cited by Labcorp Genetics (formerly Invitae), Labcorp); PubMed 30442766 (cited by Labcorp Genetics (formerly Invitae), Labcorp); PubMed 30481304 (cited by Labcorp Genetics (formerly Invitae), Labcorp); PubMed 30859559 (cited by Labcorp Genetics (formerly Invitae), Labcorp).